The following is an entry in ClinVar:

ClinVar aggregate classification (germline): Likely benign (0 of 4 stars; one submission).

Conditions:
CIC-related disorder. Also called: CIC-related condition.

Allele frequency attached by ClinVar (database versions not stated): gnomAD exomes 0.00005; 1000 Genomes Project 30x 0.00047; 1000 Genomes Project 0.00060; gnomAD 0.00082; TOPMed 0.00091.
gnomAD v4.1: 138 of 398,616 alleles (0.035%); highest among the groups gnomAD compares: African/African-American, 0.27%; no homozygotes.

Submission:

PreventionGenetics, part of Exact Sciences
Classification: Likely benign for CIC-related condition. Last evaluated: 2019-05-06. Review status: no assertion criteria provided. Collection method: clinical testing. Allele origin: germline.
Comment: This variant is classified as likely benign based on ACMG/AMP sequence variant interpretation guidelines (Richards et al. 2015 PMID: 25741868, with internal and published modifications).

NM_001386298.1(CIC):c.471C>A (p.Pro157=)

Gene: CIC (capicua transcriptional repressor; plus strand). Cytogenetic location: 19q13.2.
Variant type: single nucleotide variant.
Coding change: c.471C>A on transcript NM_001386298.1 (MANE Select); coding-DNA position 471, C replaced by A.
Protein change: p.Pro157=; no amino-acid change (proline 157 retained).
Molecular consequence: synonymous variant.
Genome position (GRCh38, 1-based): chr19:42,272,254, C>A. VCF-style: chr19-42272254-C-A. GRCh37 (hg19) VCF-style: chr19-42776406-C-A.
Other names: c.471C>A, p.Pro157= (NM_001304815.2, NM_001379480.1, NM_001379482.1 and 1 more transcripts).
Identifiers: ClinVar variation 3050160 (VCV003050160.2), dbSNP rs536081766, ClinGen allele CA308614574.